The following is an entry in ClinVar:

ClinVar aggregate classification (germline): Likely pathogenic. Review status: criteria provided, multiple submitters, no conflicts (2 of 4 stars). 2 submissions from 2 submitters: Likely pathogenic (2). Last evaluated 2025-05-08.

Conditions:
Mitochondrial complex I deficiency. Also called: NADH:Q(1) OXIDOREDUCTASE DEFICIENCY. Identifiers: Orphanet 2609, MedGen C1838979, MeSH C537475, MONDO:0100133.
Mitochondrial complex I deficiency, nuclear type 16. Also called: Mitochondrial complex 1 deficiency, nuclear type 16. Identifiers: MedGen C4748785, MONDO:0032621, OMIM 618238.

Submissions (2):

Natera, Inc.
Classification: Likely pathogenic for Mitochondrial complex I deficiency. Last evaluated: 2025-05-08. Review status: criteria provided, single submitter. Criteria: Natera Variant Classification Schema (03/2026). Collection method: clinical testing. Allele origin: germline.
Comment: The c.479+1G>A variant in NDUFAF5 is a canonical splice donor site variant predicted to affect pre-mRNA splicing, which may result in an abnormal transcript and altered protein product. This variant is expected to result in nonsense mediated decay, truncation, or a dysfunctional protein product. This variant is rare in the general population with a frequency below the threshold expected for the associated phenotype(s). Given the available evidence, this variant is classified as Likely Pathogenic.

Baylor Genetics
Classification: Likely pathogenic for Mitochondrial complex I deficiency, nuclear type 16. Last evaluated: 2023-08-28. Review status: criteria provided, single submitter. Criteria: ACMG Guidelines, 2015. Collection method: clinical testing. Allele origin: unknown.

NM_024120.5(NDUFAF5):c.479+1G>A

Gene: NDUFAF5 (NADH:ubiquinone oxidoreductase complex assembly factor 5; plus strand). Cytogenetic location: 20p12.1.
Variant type: single nucleotide variant.
Coding change: c.479+1G>A on transcript NM_024120.5 (MANE Select); the canonical splice donor site of the intron after coding-DNA position 479, G replaced by A.
Molecular consequence: splice donor variant. On other transcripts: intron variant (2).
Genome position (GRCh38, 1-based): chr20:13,794,942, G>A. VCF-style: chr20-13794942-G-A. GRCh37 (hg19) VCF-style: chr20-13775588-G-A.
Other names: c.-83+1G>A (NM_001352407.2, NM_001352406.2); c.395+1715G>A (NM_001039375.3); c.8+1715G>A (NM_001352403.2); c.479+1G>A (NM_001352408.2, NM_024120.4).
Identifiers: ClinVar variation 2676971 (VCV002676971.3), dbSNP rs2516152865, ClinGen allele CA408269021.